The following is an entry in ClinVar:

NM_000059.4(BRCA2):c.6964A>G (p.Met2322Val)

Gene: BRCA2 (BRCA2 DNA repair associated; plus strand). Cytogenetic location: 13q13.1.
Variant type: single nucleotide variant.
Coding change: c.6964A>G on transcript NM_000059.4 (MANE Select); coding-DNA position 6964, A replaced by G.
Protein change: p.Met2322Val; replaces methionine 2322 with valine.
Molecular consequence: missense variant.
Genome position (GRCh38, 1-based): chr13:32,346,853, A>G. VCF-style: chr13-32346853-A-G. GRCh37 (hg19) VCF-style: chr13-32920990-A-G.
Other names: short protein forms M2322V.
Identifiers: ClinVar variation 409587 (VCV000409587.14), dbSNP rs1060502483, ClinGen allele CA16614206.
Genomic context (GRCh38, chr13:32,346,853, plus strand): 5'-AACTAATATGTAATATAAAATAATTGTTTCCTAGGCACAATAAAAGATCGAAGATTGTTT[A>G]TGCATCATGTTTCTTTAGAGCCGATTACCTGTGTACCCTTTCGGTAAGACATGTTTAAAT-3'
Protein context (NP_000050.3, residues 2312-2332): DGTIKDRRLF[Met2322Val]HHVSLEPITC

ClinVar aggregate classification (germline): Uncertain significance. Review status: criteria provided, multiple submitters, no conflicts (2 of 4 stars). 3 submissions from 3 submitters: Uncertain significance (3). Last evaluated 2023-07-17.

Conditions:
Hereditary cancer-predisposing syndrome. Also called: Tumor predisposition; Hereditary Cancer Syndrome; Hereditary neoplastic syndrome; Neoplastic Syndromes, Hereditary. Identifiers: Orphanet 140162, MedGen C0027672, MeSH D009386, MONDO:0015356.
Hereditary breast ovarian cancer syndrome. Also called: Hereditary breast and ovarian cancer; Hereditary breast and/or ovarian cancer syndrome; BRCA1- and BRCA2-Associated Hereditary Breast and Ovarian Cancer; Hereditary breast and ovarian cancer syndrome; Hereditary breast and ovarian cancer syndrome (HBOC); Breast and ovarian cancer. Identifiers: Orphanet 145, MedGen C0677776, MeSH D061325, MONDO:0003582. Disease mechanism: loss of function.

Allele frequency attached by ClinVar (database versions not stated): gnomAD exomes below 0.00001.
gnomAD v4.1: 1 of 1,610,008 alleles (0.000062%); highest among the groups gnomAD compares: South Asian, 0.0011%; no homozygotes.

Submissions (3):

GeneDx
Classification: Uncertain significance. Last evaluated: 2023-07-17. Review status: criteria provided, single submitter. Criteria: GeneDx Variant Classification Process June 2021. Collection method: clinical testing. Allele origin: germline. Affected: yes.
Comment: Not observed at significant frequency in large population cohorts (gnomAD); In silico analysis supports that this missense variant does not alter protein structure/function; Has not been previously published as pathogenic or benign to our knowledge; Also known as 7192A>G; This variant is associated with the following publications: (PMID: 32377563, 29884841, 31911673)

Labcorp Genetics (formerly Invitae), Labcorp
Classification: Uncertain significance for Hereditary breast ovarian cancer syndrome. Last evaluated: 2023-02-20. Review status: criteria provided, single submitter. Criteria: Invitae Variant Classification Sherloc (09022015). Collection method: clinical testing. Allele origin: germline.
Comment: Advanced modeling of protein sequence and biophysical properties (such as structural, functional, and spatial information, amino acid conservation, physicochemical variation, residue mobility, and thermodynamic stability) performed at Invitae indicates that this missense variant is not expected to disrupt BRCA2 protein function. ClinVar contains an entry for this variant (Variation ID: 409587). This variant has not been reported in the literature in individuals affected with BRCA2-related conditions. This variant is not present in population databases (gnomAD no frequency). This sequence change replaces methionine, which is neutral and non-polar, with valine, which is neutral and non-polar, at codon 2322 of the BRCA2 protein (p.Met2322Val). In summary, the available evidence is currently insufficient to determine the role of this variant in disease. Therefore, it has been classified as a Variant of Uncertain Significance.

Ambry Genetics
Classification: Uncertain significance for Hereditary cancer-predisposing syndrome. Last evaluated: 2022-04-22. Review status: criteria provided, single submitter. Criteria: Ambry Variant Classification Scheme 2023. Collection method: clinical testing. Allele origin: germline.
Comment: The p.M2322V variant (also known as c.6964A>G), located in coding exon 12 of the BRCA2 gene, results from an A to G substitution at nucleotide position 6964. The methionine at codon 2322 is replaced by valine, an amino acid with highly similar properties. This amino acid position is conserved. In addition, the in silico prediction for this alteration is inconclusive. Since supporting evidence is limited at this time, the clinical significance of this alteration remains unclear.